The following is an entry in ClinVar:

ClinVar aggregate classification (germline): Uncertain significance (1 of 4 stars; one submission).

gnomAD v4.1: 1 of 1,449,184 alleles (0.000069%); highest among the groups gnomAD compares: Non-Finnish European, 0.00009%; no homozygotes.

Submission:

Labcorp Genetics (formerly Invitae), Labcorp
Classification: Uncertain significance. Last evaluated: 2024-10-25. Review status: criteria provided, single submitter. Criteria: Invitae Variant Classification Sherloc (09022015). Collection method: clinical testing. Allele origin: germline.
Comment: This sequence change replaces proline, which is neutral and non-polar, with alanine, which is neutral and non-polar, at codon 179 of the ARID1A protein (p.Pro179Ala). This variant is not present in population databases (gnomAD no frequency). This variant has not been reported in the literature in individuals affected with ARID1A-related conditions. ClinVar contains an entry for this variant (Variation ID: 1417005). Invitae Evidence Modeling of protein sequence and biophysical properties (such as structural, functional, and spatial information, amino acid conservation, physicochemical variation, residue mobility, and thermodynamic stability) indicates that this missense variant is not expected to disrupt ARID1A protein function with a negative predictive value of 95%. In summary, the available evidence is currently insufficient to determine the role of this variant in disease. Therefore, it has been classified as a Variant of Uncertain Significance.

NM_006015.6(ARID1A):c.535C>G (p.Pro179Ala)

Gene: ARID1A (AT-rich interaction domain 1A; plus strand). Cytogenetic location: 1p36.11.
Variant type: single nucleotide variant.
Coding change: c.535C>G on transcript NM_006015.6 (MANE Select); coding-DNA position 535, C replaced by G.
Protein change: p.Pro179Ala; replaces proline 179 with alanine.
Molecular consequence: missense variant.
Genome position (GRCh38, 1-based): chr1:26,696,938, C>G. VCF-style: chr1-26696938-C-G. GRCh37 (hg19) VCF-style: chr1-27023429-C-G.
Other names: c.535C>G, p.Pro179Ala (NM_139135.4); short protein forms P179A.
Identifiers: ClinVar variation 1417005 (VCV001417005.6), dbSNP rs747917614, ClinGen allele CA339265540.